The following is an entry in ClinVar:

NM_001059.3(TACR3):c.737+1G>C

Gene: TACR3 (tachykinin receptor 3; minus strand). Cytogenetic location: 4q24.
Variant type: single nucleotide variant.
Coding change: c.737+1G>C on transcript NM_001059.3 (MANE Select); the canonical splice donor site of the intron after coding-DNA position 737, G replaced by C.
Molecular consequence: splice donor variant.
Genome position (GRCh38, 1-based): chr4:103,658,214, C>G on the plus strand (G>C on the coding strand, the complement: TACR3 is on the minus strand). VCF-style: chr4-103658214-C-G. GRCh37 (hg19) VCF-style: chr4-104579371-C-G.
Identifiers: ClinVar variation 2631123 (VCV002631123.1), dbSNP rs760022956, ClinGen allele CA357963827.

ClinVar aggregate classification (germline): Likely pathogenic (1 of 4 stars; one submission).

Conditions:
TACR3-related disorder. Also called: TACR3-related condition.

Submission:

PreventionGenetics, part of Exact Sciences
Classification: Likely pathogenic for TACR3-related condition. Last evaluated: 2023-08-24. Review status: criteria provided, single submitter. Criteria: ACMG Guidelines, 2015. Collection method: clinical testing. Allele origin: germline.
Comment: The TACR3 c.737+1G>C variant is predicted to disrupt the GT donor site and interfere with normal splicing. To our knowledge, this variant has not been reported in the literature or in a large population database, indicating this variant is rare. Variants that disrupt the consensus splice donor site in TACR3 are expected to be pathogenic. This variant is interpreted as likely pathogenic.